The following is an entry in ClinVar:

ClinVar aggregate classification (germline): Benign/Likely benign. Review status: criteria provided, multiple submitters, no conflicts (2 of 4 stars). 5 submissions from 5 submitters: Benign (1); Likely benign (3). 1 of the submissions does not count toward it. Last evaluated 2026-08-01.

Conditions:
Hereditary cancer-predisposing syndrome. Also called: Hereditary Cancer Syndrome; Neoplastic Syndromes, Hereditary; Hereditary neoplastic syndrome; Tumor predisposition. Identifiers: Orphanet 140162, MedGen C0027672, MeSH D009386, MONDO:0015356.
Tuberous sclerosis 2 (TSC2). Identifiers: Orphanet 805, MedGen C1860707, MONDO:0013199, OMIM 613254.
TSC2-related disorder. Also called: TSC2-related condition; TSC2-Related Disorders.

Allele frequency attached by ClinVar (database versions not stated): gnomAD 0.00001 and 0.00003; gnomAD exomes 0.00001.
gnomAD v4.1: 10 of 1,611,578 alleles (0.00062%); highest among the groups gnomAD compares: Middle Eastern, 0.076%; no homozygotes.

Submissions (5):

CeGaT Center for Human Genetics Tuebingen
Classification: Likely benign. Last evaluated: 2026-08-01. Review status: criteria provided, single submitter. Criteria: CeGaT Center For Human Genetics Tuebingen Variant Classification Criteria Version 2. Collection method: clinical testing. Allele origin: germline. Affected: yes. Observed: 10 variant alleles.
Comment: TSC2: BP4, BP7

Labcorp Genetics (formerly Invitae), Labcorp
Classification: Likely benign for Tuberous sclerosis 2. Last evaluated: 2026-01-11. Review status: criteria provided, single submitter. Criteria: Invitae Variant Classification Sherloc (09022015). Collection method: clinical testing. Allele origin: germline.

Genome-Nilou Lab
Classification: Benign for Tuberous sclerosis 2. Last evaluated: 2021-11-07. Review status: criteria provided, single submitter. Criteria: ACMG Guidelines, 2015. Collection method: clinical testing. Allele origin: germline. Affected: no.

Ambry Genetics
Classification: Likely benign for Hereditary cancer-predisposing syndrome. Last evaluated: 2019-11-08. Review status: criteria provided, single submitter. Criteria: Ambry Variant Classification Scheme 2023. Collection method: clinical testing. Allele origin: germline.

PreventionGenetics, part of Exact Sciences
Classification: Likely benign for TSC2-related condition. Last evaluated: 2021-05-06. Review status: no assertion criteria provided. Collection method: clinical testing. Allele origin: germline. Not counted in ClinVar's aggregate classification.
Comment: This variant is classified as likely benign based on ACMG/AMP sequence variant interpretation guidelines (Richards et al. 2015 PMID: 25741868, with internal and published modifications).

NM_000548.5(TSC2):c.3600G>A (p.Arg1200=)

Gene: TSC2 (TSC complex subunit 2; plus strand). Cytogenetic location: 16p13.3.
Variant type: single nucleotide variant.
Coding change: c.3600G>A on transcript NM_000548.5 (MANE Select); coding-DNA position 3600, G replaced by A.
Protein change: p.Arg1200=; no amino-acid change (arginine 1200 retained).
Molecular consequence: synonymous variant.
Genome position (GRCh38, 1-based): chr16:2,080,367, G>A. VCF-style: chr16-2080367-G-A. GRCh37 (hg19) VCF-style: chr16-2130368-G-A.
Other names: c.3468G>A, p.Arg1156= (NM_001077183.3, NM_001370404.1); c.3600G>A, p.Arg1200= (NM_001114382.3); c.3360G>A, p.Arg1120= (NM_001318827.2); c.3324G>A, p.Arg1108= (NM_001318829.2); c.2868G>A, p.Arg956= (NM_001318831.2); c.3501G>A, p.Arg1167= (NM_001318832.2); c.3471G>A, p.Arg1157= (NM_001363528.2, NM_001370405.1, NM_021055.3); c.3600G>A (NM_000548.4).
Identifiers: ClinVar variation 536055 (VCV000536055.43), dbSNP rs1410559096, ClinGen allele CA493043197.